The following is an entry in ClinVar:

NM_000398.7(CYB5R3):c.383C>T (p.Ser128Phe)

Gene: CYB5R3 (cytochrome b5 reductase 3; minus strand). Cytogenetic location: 22q13.2.
Variant type: single nucleotide variant.
Coding change: c.383C>T on transcript NM_000398.7 (MANE Select); coding-DNA position 383, C replaced by T.
Protein change: p.Ser128Phe; replaces serine 128 with phenylalanine.
Molecular consequence: missense variant.
Genome position (GRCh38, 1-based): chr22:42,628,232, G>A on the plus strand (C>T on the coding strand, the complement: CYB5R3 is on the minus strand). VCF-style: chr22-42628232-G-A. GRCh37 (hg19) VCF-style: chr22-43024238-G-A.
Other names: c.314C>T, p.Ser105Phe (NM_001129819.2, NM_001171661.1, NM_007326.4); c.482C>T, p.Ser161Phe (NM_001171660.2); short protein forms S105F, S128F, S161F.
Identifiers: ClinVar variation 4856215 (VCV004856215.1).
Genomic context (GRCh38, chr22:42,628,232, plus strand): 5'-AGCCCACTGGGGCCCCGGAACTCAATGGTGTCTCCAATCTGCATGCTCTCCAGGTACTGA[G>A]ACATCTTCCCTCCAGCGGGAAACTTGGGATGGGTGTCCTTGAAGTAAACCTGCAAGACAC-3'
Protein context (NP_000389.1, residues 118-138): HPKFPAGGKM[Ser128Phe]QYLESMQIGD

ClinVar aggregate classification (germline): Uncertain significance (1 of 4 stars; one submission).

Conditions:
Deficiency of cytochrome-b5 reductase. Also called: METHEMOGLOBINEMIA, CONGENITAL, AUTOSOMAL RECESSIVE; NADH-DEPENDENT METHEMOGLOBIN REDUCTASE DEFICIENCY. Identifiers: Orphanet 621, MedGen C0268193, MONDO:0009606, OMIM 250800.

Submission:

3billion
Classification: Uncertain significance for Deficiency of cytochrome-b5 reductase. Last evaluated: 2025-07-15. Review status: criteria provided, single submitter. Criteria: ACMG Guidelines, 2015. Collection method: clinical testing. Allele origin: germline. Affected: yes.
Comment: The variant is not observed in the gnomAD v4.1.0 dataset. Predicted Consequence/Location: Missense variant In silico tool predictions suggest damaging effect of the variant on gene or gene product [REVEL: 0.91 (>=0.6, sensitivity 0.68 and specificity 0.92); 3Cnet: 0.95 (> 0.75, sensitivity 0.96 and precision 0.92)]. A different missense change at the same codon (p.Ser128Pro) has been reported to be associated with CYB5R3-related disorder (ClinVar ID: VCV000000234 /PMID: 2107882). Therefore, this variant is classified as VUS according to the recommendation of ACMG/AMP guideline.

Literature cited by the submitters: PubMed 2107882.